The following is an entry in ClinVar:

NM_000238.4(KCNH2):c.1219A>G (p.Lys407Glu)

Gene: KCNH2 (potassium voltage-gated channel subfamily H member 2; minus strand). Cytogenetic location: 7q36.1.
Variant type: single nucleotide variant.
Coding change: c.1219A>G on transcript NM_000238.4 (MANE Select); coding-DNA position 1219, A replaced by G.
Protein change: p.Lys407Glu; replaces lysine 407 with glutamic acid.
Molecular consequence: missense variant. On other transcripts: non-coding transcript variant (2).
Genome position (GRCh38, 1-based): chr7:150,952,763, T>C on the plus strand (A>G on the coding strand, the complement: KCNH2 is on the minus strand). VCF-style: chr7-150952763-T-C. GRCh37 (hg19) VCF-style: chr7-150649851-T-C.
Other names: c.199A>G, p.Lys67Glu (NM_001204798.2, NM_172057.3); c.931A>G, p.Lys311Glu (NM_001406753.1, NM_001406756.1); c.1042A>G, p.Lys348Glu (NM_001406755.1); c.919A>G, p.Lys307Glu (NM_001406757.1); c.1219A>G, p.Lys407Glu (NM_172056.3); short protein forms K307E, K311E, K348E, K407E, K67E.
Identifiers: ClinVar variation 3390405 (VCV003390405.1).

ClinVar aggregate classification (germline): Conflicting classifications of pathogenicity. Review status: criteria provided, conflicting classifications (1 of 4 stars). 2 submissions from 2 submitters: Likely pathogenic (1); Uncertain significance (1). Last evaluated 2025-04-29.

Conditions:
Long QT syndrome 2 (LQT2). Identifiers: Orphanet 101016, Orphanet 768, MedGen C3150943, MONDO:0013367, OMIM 613688.

Submissions (2):

Department of Human Genetics, Hannover Medical School
Classification: Likely pathogenic for Long QT syndrome 2. Last evaluated: 2025-04-29. Review status: criteria provided, single submitter. Criteria: ACMG Guidelines, 2015. Collection method: clinical testing. Allele origin: germline. Inheritance: Autosomal dominant inheritance. Affected: yes.
Comment: ACMG: PM1_Supporting, PM2_Supporting, PP3_Strong, PP4

GeneDx
Classification: Uncertain significance. Last evaluated: 2024-06-12. Review status: criteria provided, single submitter. Criteria: GeneDx Variant Classification Process June 2021. Collection method: clinical testing. Allele origin: germline. Affected: yes.
Comment: Not observed at significant frequency in large population cohorts (gnomAD); In silico analysis supports that this missense variant has a deleterious effect on protein structure/function; Has not been previously published as pathogenic or benign to our knowledge